The following is an entry in ClinVar:

NM_001375405.1(CEP120):c.1318G>A (p.Ala440Thr)

Gene: CEP120 (centrosomal protein 120; minus strand). Cytogenetic location: 5q23.2.
Variant type: single nucleotide variant.
Coding change: c.1318G>A on transcript NM_001375405.1 (MANE Select); coding-DNA position 1318, G replaced by A.
Protein change: p.Ala440Thr; replaces alanine 440 with threonine.
Molecular consequence: missense variant. On other transcripts: non-coding transcript variant (1).
Genome position (GRCh38, 1-based): chr5:123,388,544, C>T on the plus strand (G>A on the coding strand, the complement: CEP120 is on the minus strand). VCF-style: chr5-123388544-C-T. GRCh37 (hg19) VCF-style: chr5-122724238-C-T.
Other names: c.1240G>A, p.Ala414Thr (NM_001166226.2); c.1183G>A, p.Ala395Thr (NM_001375406.1); c.1318G>A, p.Ala440Thr (NM_001375407.1, NM_153223.4); c.745G>A, p.Ala249Thr (NM_001375408.1, NM_001375409.1); short protein forms A249T, A440T, A395T, A414T.
Identifiers: ClinVar variation 2048998 (VCV002048998.4), dbSNP rs1358780626, ClinGen allele CA360890364.

ClinVar aggregate classification (germline): Uncertain significance (1 of 4 stars; one submission).

Conditions:
Short-rib thoracic dysplasia 13 with or without polydactyly (SRTD13). Identifiers: Orphanet 474, MedGen C4225378, MONDO:0014577, OMIM 616300.

Allele frequency attached by ClinVar (database versions not stated): gnomAD exomes below 0.00001.
gnomAD v4.1: 5 of 1,611,156 alleles (0.00031%); highest among the groups gnomAD compares: Non-Finnish European, 0.00025%; no homozygotes.

Submission:

Labcorp Genetics (formerly Invitae), Labcorp
Classification: Uncertain significance for Short-rib thoracic dysplasia 13 with or without polydactyly. Last evaluated: 2023-11-27. Review status: criteria provided, single submitter. Criteria: Invitae Variant Classification Sherloc (09022015). Collection method: clinical testing. Allele origin: germline.
Comment: This sequence change replaces alanine, which is neutral and non-polar, with threonine, which is neutral and polar, at codon 440 of the CEP120 protein (p.Ala440Thr). This variant is not present in population databases (gnomAD no frequency). This variant has not been reported in the literature in individuals affected with CEP120-related conditions. ClinVar contains an entry for this variant (Variation ID: 2048998). Advanced modeling of protein sequence and biophysical properties (such as structural, functional, and spatial information, amino acid conservation, physicochemical variation, residue mobility, and thermodynamic stability) performed at Invitae indicates that this missense variant is not expected to disrupt CEP120 protein function with a negative predictive value of 80%. In summary, the available evidence is currently insufficient to determine the role of this variant in disease. Therefore, it has been classified as a Variant of Uncertain Significance.